The following is an entry in ClinVar:

NM_001035.3(RYR2):c.5838A>C (p.Glu1946Asp)

Gene: RYR2 (ryanodine receptor 2; plus strand). Cytogenetic location: 1q43.
Variant type: single nucleotide variant.
Coding change: c.5838A>C on transcript NM_001035.3 (MANE Select); coding-DNA position 5838, A replaced by C.
Protein change: p.Glu1946Asp; replaces glutamic acid 1946 with aspartic acid.
Molecular consequence: missense variant.
Genome position (GRCh38, 1-based): chr1:237,617,408, A>C. VCF-style: chr1-237617408-A-C. GRCh37 (hg19) VCF-style: chr1-237780708-A-C.
Other names: c.5838A>C, p.Glu1946Asp (LRG_402t1); short protein forms E1946D.
Identifiers: ClinVar variation 463610 (VCV000463610.10), dbSNP rs1485391345, ClinGen allele CA345407215.
Genomic context (GRCh38, chr1:237,617,408, plus strand): 5'-AGCCTTTTCAGATGATTTTGTGGCTAAGCTCCAAGACAATCAACGTTTCCGATACAACGA[A>C]GTCATGCAAGCCTTAAACATGTCAGCTGCACTCACAGCCAGGAAGACAAAGGAATTTAGA-3'
Protein context (NP_001026.2, residues 1936-1956): LQDNQRFRYN[Glu1946Asp]VMQALNMSAA

ClinVar aggregate classification (germline): Uncertain significance (1 of 4 stars; one submission).

Conditions:
Catecholaminergic polymorphic ventricular tachycardia 1. Also called: VENTRICULAR TACHYCARDIA, STRESS-INDUCED POLYMORPHIC 1; VENTRICULAR TACHYCARDIA, CATECHOLAMINERGIC POLYMORPHIC, 1, WITH OR WITHOUT ATRIAL DYSFUNCTION AND/OR DILATED CARDIOMYOPATHY; RYR2-Related Catecholaminergic Polymorphic Ventricular Tachycardia. Identifiers: Orphanet 3286, MedGen C1631597, MONDO:0011484, OMIM 604772.

Submission:

Labcorp Genetics (formerly Invitae), Labcorp
Classification: Uncertain significance for Catecholaminergic polymorphic ventricular tachycardia 1. Last evaluated: 2018-03-15. Review status: criteria provided, single submitter. Criteria: Invitae Variant Classification Sherloc (09022015). Collection method: clinical testing. Allele origin: germline.
Comment: This sequence change replaces glutamic acid with aspartic acid at codon 1946 of the RYR2 protein (p.Glu1946Asp). The glutamic acid residue is highly conserved and there is a small physicochemical difference between glutamic acid and aspartic acid. In summary, the available evidence is currently insufficient to determine the role of this variant in disease. Therefore, it has been classified as a Variant of Uncertain Significance. Algorithms developed to predict the effect of missense changes on protein structure and function (SIFT, PolyPhen-2, Align-GVGD) all suggest that this variant is likely to be disruptive, but these predictions have not been confirmed by published functional studies and their clinical significance is uncertain. This variant has not been reported in the literature in individuals with RYR2-related disease. ClinVar contains an entry for this variant (Variation ID: 463610). This variant is not present in population databases (ExAC no frequency).